The following is an entry in ClinVar:

NM_001458.5(FLNC):c.7235_7236del (p.Thr2412fs)

Genes: FLNC (filamin C; plus strand), FLNC-AS1 (FLNC antisense RNA 1; minus strand). Cytogenetic location: 7q32.1.
Variant type: Deletion.
Coding change: c.7235_7236del on transcript NM_001458.5 (MANE Select); coding-DNA positions 7235 to 7236, 2 bases deleted (CT; older notation c.7235_7236delCT).
Protein change: p.Thr2412fs; shifts the reading frame from threonine 2412.
Molecular consequence: frameshift variant.
Genome position (GRCh38, 1-based): chr7:128,855,298-128,855,299, CT deleted. VCF-style (leftmost placement, unchanged base first): chr7-128855297-ACT-A. GRCh37 (hg19) VCF-style: chr7-128495351-ACT-A.
Other names: c.7136_7137del, p.Thr2379fs (NM_001127487.2); c.7235_7236delCT, p.Thr2412Serfs (NM_001458.4); short protein forms T2412fs, T2379fs.
Identifiers: ClinVar variation 1757829 (VCV001757829.9), dbSNP rs776889134, ClinGen allele CA4476195.

ClinVar aggregate classification (germline): Pathogenic/Likely pathogenic. Review status: criteria provided, multiple submitters, no conflicts (2 of 4 stars). 3 submissions from 3 submitters: Pathogenic (2); Likely pathogenic (1). Last evaluated 2023-11-02.

Conditions:
Hypertrophic cardiomyopathy 26. Also called: Cardiomyopathy, familial hypertrophic, 26. Identifiers: Orphanet 75249, MedGen C4310749, MONDO:0014883, OMIM 617047.
Cardiovascular phenotype. Identifiers: MedGen CN230736.
Distal myopathy with posterior leg and anterior hand involvement. Also called: WILLIAMS DISTAL MYOPATHY. Identifiers: Orphanet 63273, MedGen C3279722, MONDO:0013550, OMIM 614065.
Myofibrillar myopathy 5. Also called: Filaminopathy (type); FILAMINOPATHY, AUTOSOMAL DOMINANT. Identifiers: Orphanet 171445, MedGen C1836050, MONDO:0012289, OMIM 609524.

Allele frequency attached by ClinVar (database versions not stated): gnomAD exomes below 0.00001; ExAC 0.00001.

Submissions (3):

Labcorp Genetics (formerly Invitae), Labcorp
Classification: Pathogenic for Distal myopathy with posterior leg and anterior hand involvement; Myofibrillar myopathy 5; Hypertrophic cardiomyopathy 26. Last evaluated: 2023-11-02. Review status: criteria provided, single submitter. Criteria: Invitae Variant Classification Sherloc (09022015). Collection method: clinical testing. Allele origin: germline.
Comment: This sequence change creates a premature translational stop signal (p.Thr2412Serfs*29) in the FLNC gene. It is expected to result in an absent or disrupted protein product. Loss-of-function variants in FLNC are known to be pathogenic (PMID: 27908349). This variant is present in population databases (rs776889134, gnomAD 0.0009%). This variant has not been reported in the literature in individuals affected with FLNC-related conditions. ClinVar contains an entry for this variant (Variation ID: 1757829). For these reasons, this variant has been classified as Pathogenic.

Institute of Human Genetics, Heidelberg University
Classification: Likely pathogenic for Hypertrophic cardiomyopathy 26. Last evaluated: 2022-08-24. Review status: criteria provided, single submitter. Criteria: ACMG Guidelines, 2015. Collection method: clinical testing. Allele origin: germline. Affected: yes.

Ambry Genetics
Classification: Pathogenic for Cardiovascular phenotype. Last evaluated: 2021-12-09. Review status: criteria provided, single submitter. Criteria: Ambry Variant Classification Scheme 2023. Collection method: clinical testing. Allele origin: germline.
Comment: The c.7235_7236delCT pathogenic mutation, located in coding exon 43 of the FLNC gene, results from a deletion of two nucleotides at nucleotide positions 7235 to 7236, causing a translational frameshift with a predicted alternate stop codon p.T2412Sfs*29). This variant is considered to be rare based on population cohorts in the Genome Aggregation Database (gnomAD). This alteration is expected to result in loss of function by premature protein truncation or nonsense-mediated mRNA decay. As such, this alteration is interpreted as a disease-causing mutation.

Literature cited by the submitters: PubMed 27908349 (cited by Labcorp Genetics (formerly Invitae), Labcorp); PubMed 31506931 (cited by Ambry Genetics).